The following is an entry in ClinVar:

ClinVar aggregate classification (germline): Uncertain significance (1 of 4 stars; one submission).

Submission:

GeneDx
Classification: Uncertain significance. Last evaluated: 2022-08-31. Review status: criteria provided, single submitter. Criteria: GeneDx Variant Classification Process June 2021. Collection method: clinical testing. Allele origin: germline. Affected: yes.
Comment: Not observed at significant frequency in large population cohorts (gnomAD); In silico analysis supports that this missense variant does not alter protein structure/function; Has not been previously published as pathogenic or benign to our knowledge

NM_005689.4(ABCB6):c.515A>T (p.Gln172Leu)

Gene: ABCB6 (ATP binding cassette subfamily B member 6 (LAN blood group); minus strand). Cytogenetic location: 2q35.
Variant type: single nucleotide variant.
Coding change: c.515A>T on transcript NM_005689.4 (MANE Select); coding-DNA position 515, A replaced by T.
Protein change: p.Gln172Leu; replaces glutamine 172 with leucine.
Molecular consequence: missense variant.
Genome position (GRCh38, 1-based): chr2:219,218,159, T>A on the plus strand (A>T on the coding strand, the complement: ABCB6 is on the minus strand). VCF-style: chr2-219218159-T-A. GRCh37 (hg19) VCF-style: chr2-220082881-T-A.
Other names: c.515A>T, p.Gln172Leu (NM_001349828.2); short protein forms Q172L.
Identifiers: ClinVar variation 2442543 (VCV002442543.1), dbSNP rs2544863591, ClinGen allele CA350643583.